The following is an entry in ClinVar:

ClinVar aggregate classification (germline): Uncertain significance (1 of 4 stars; one submission).

Conditions:
Inborn genetic diseases. Identifiers: MedGen C0950123, MeSH D030342.

gnomAD v4.1: 5 of 1,613,698 alleles (0.00031%); highest among the groups gnomAD compares: South Asian, 0.0055%; no homozygotes.

Submission:

Ambry Genetics
Classification: Uncertain significance for Inborn genetic diseases. Last evaluated: 2025-04-17. Review status: criteria provided, single submitter. Criteria: Ambry Variant Classification Scheme 2023. Collection method: clinical testing. Allele origin: germline.
Comment: The p.C479R variant (also known as c.1435T>C), located in coding exon 9 of the ERCC6L2 gene, results from a T to C substitution at nucleotide position 1435. The cysteine at codon 479 is replaced by arginine, an amino acid with highly dissimilar properties. This amino acid position is conserved. In addition, this alteration is predicted to be deleterious by in silico analysis. Based on the available evidence, the clinical significance of this variant remains unclear.

NM_020207.7(ERCC6L2):c.1435T>C (p.Cys479Arg)

Gene: ERCC6L2 (ERCC excision repair 6 like 2; plus strand). Cytogenetic location: 9q22.32.
Variant type: single nucleotide variant.
Coding change: c.1435T>C on transcript NM_020207.7 (MANE Select); coding-DNA position 1435, T replaced by C.
Protein change: p.Cys479Arg; replaces cysteine 479 with arginine.
Molecular consequence: missense variant. On other transcripts: non-coding transcript variant (1).
Genome position (GRCh38, 1-based): chr9:95,923,281, T>C. VCF-style: chr9-95923281-T-C. GRCh37 (hg19) VCF-style: chr9-98685563-T-C.
Other names: c.1435T>C, p.Cys479Arg (NM_001010895.4, NM_001375291.1, NM_001375292.1 and 2 more transcripts); short protein forms C479R.
Identifiers: ClinVar variation 4019313 (VCV004019313.1).